The following is an entry in ClinVar:

NM_001035.3(RYR2):c.10786A>C (p.Lys3596Gln)

Gene: RYR2 (ryanodine receptor 2; plus strand). Cytogenetic location: 1q43.
Variant type: single nucleotide variant.
Coding change: c.10786A>C on transcript NM_001035.3 (MANE Select); coding-DNA position 10786, A replaced by C.
Protein change: p.Lys3596Gln; replaces lysine 3596 with glutamine.
Molecular consequence: missense variant.
Genome position (GRCh38, 1-based): chr1:237,727,147, A>C. VCF-style: chr1-237727147-A-C. GRCh37 (hg19) VCF-style: chr1-237890447-A-C.
Other names: short protein forms K3596Q.
Identifiers: ClinVar variation 3075426 (VCV003075426.1), dbSNP rs2526999607, ClinGen allele CA345416914.
Genomic context (GRCh38, chr1:237,727,147, plus strand): 5'-GTGGAACATCCTCAGAGATCTAAAAAGGCTGTATGGCATAAACTACTGTCCAAGCAGAGG[A>C]AAAGGGCTGTTGTAGCCTGCTTCCGGATGGCCCCCTTATATAATCTGCCAAGGTCGGAAT-3'
Protein context (NP_001026.2, residues 3586-3606): VWHKLLSKQR[Lys3596Gln]RAVVACFRMA

ClinVar aggregate classification (germline): Uncertain significance (1 of 4 stars; one submission).

Conditions:
Catecholaminergic polymorphic ventricular tachycardia (CVPT). Also called: Catecholamine-induced polymorphic ventricular tachycardia. Identifiers: Orphanet 3286, MedGen C5574922, MONDO:0017990.

Submission:

All of Us Research Program, National Institutes of Health
Classification: Uncertain significance for Catecholaminergic polymorphic ventricular tachycardia. Last evaluated: 2024-02-05. Review status: criteria provided, single submitter. Criteria: ACMG Guidelines, 2015. Collection method: clinical testing. Allele origin: germline. Inheritance: Autosomal dominant inheritance. Observed: 1 variant allele, 1 heterozygote.
Comment: This missense variant replaces lysine with glutamine at codon 3596 of the RYR2 protein. Computational prediction suggests that this variant may have deleterious impact on protein structure and function (internally defined REVEL score threshold >= 0.7, PMID: 27666373). To our knowledge, functional studies have not been reported for this variant. This variant has not been reported in individuals affected with RYR2-related disorders in the literature. This variant has not been identified in the general population by the Genome Aggregation Database (gnomAD). The available evidence is insufficient to determine the role of this variant in disease conclusively. Therefore, this variant is classified as a Variant of Uncertain Significance.

This study involves interpretation of variants in research participants for the purpose of population health screening. Participant phenotype was not available at the time of variant classification. Additional details can be found in publication PMID: 35346344, PMCID: PMC8962531